The following is an entry in ClinVar:

ClinVar aggregate classification (germline): Uncertain significance (1 of 4 stars; one submission).

Conditions:
Dilated cardiomyopathy 1HH (CMD1HH). Identifiers: Orphanet 154, MedGen C3151293, MONDO:0013479, OMIM 613881.
Myofibrillar myopathy 6. Identifiers: Orphanet 199340, MedGen C2751831, MONDO:0013061, OMIM 612954.

Submission:

Labcorp Genetics (formerly Invitae), Labcorp
Classification: Uncertain significance for Dilated cardiomyopathy 1HH; Myofibrillar myopathy 6. Last evaluated: 2021-12-09. Review status: criteria provided, single submitter. Criteria: Invitae Variant Classification Sherloc (09022015). Collection method: clinical testing. Allele origin: germline.
Comment: In summary, the available evidence is currently insufficient to determine the role of this variant in disease. Therefore, it has been classified as a Variant of Uncertain Significance. Algorithms developed to predict the effect of missense changes on protein structure and function (SIFT, PolyPhen-2, Align-GVGD) all suggest that this variant is likely to be tolerated. This variant has not been reported in the literature in individuals affected with BAG3-related conditions. This variant is present in population databases (rs730880053, gnomAD no frequency). This sequence change replaces valine, which is neutral and non-polar, with leucine, which is neutral and non-polar, at codon 108 of the BAG3 protein (p.Val108Leu).

NM_004281.4(BAG3):c.322G>C (p.Val108Leu)

Gene: BAG3 (BAG cochaperone 3; plus strand). Cytogenetic location: 10q26.11.
Variant type: single nucleotide variant.
Coding change: c.322G>C on transcript NM_004281.4 (MANE Select); coding-DNA position 322, G replaced by C.
Protein change: p.Val108Leu; replaces valine 108 with leucine.
Molecular consequence: missense variant.
Genome position (GRCh38, 1-based): chr10:119,669,992, G>C. VCF-style: chr10-119669992-G-C. GRCh37 (hg19) VCF-style: chr10-121429504-G-C.
Other names: short protein forms V108L.
Identifiers: ClinVar variation 1485238 (VCV001485238.6), dbSNP rs730880053, ClinGen allele CA5716293.
Genomic context (GRCh38, chr10:119,669,992, plus strand): 5'-CAGCTCCGACCAGGCTACATTCCCATTCCTGTGCTCCATGAAGGCGCTGAGAACCGGCAG[G>C]TGCACCCTTTCCATGTCTATCCCCAGCCTGGGATGCAGCGATTCCGAACTGAGGCGGCAG-3'
Protein context (NP_004272.2, residues 98-118): VLHEGAENRQ[Val108Leu]HPFHVYPQPG